The following is an entry in ClinVar:

NM_018965.4(TREM2):c.40G>T (p.Glu14Ter)

Gene: TREM2 (triggering receptor expressed on myeloid cells 2; minus strand). Cytogenetic location: 6p21.1.
Variant type: single nucleotide variant.
Coding change: c.40G>T on transcript NM_018965.4 (MANE Select); coding-DNA position 40, G replaced by T.
Protein change: p.Glu14Ter; replaces glutamic acid 14 with a stop codon.
Molecular consequence: nonsense.
Genome position (GRCh38, 1-based): chr6:41,163,043, C>A on the plus strand (G>T on the coding strand, the complement: TREM2 is on the minus strand). VCF-style: chr6-41163043-C-A. GRCh37 (hg19) VCF-style: chr6-41130781-C-A.
Other names: c.40G>T, p.Glu14Ter (NM_001271821.2); short protein forms E14*.
Identifiers: ClinVar variation 56724 (VCV000056724.3), dbSNP rs386834143, ClinGen allele CA264197.
Genomic context (GRCh38, chr6:41,163,043, plus strand): 5'-CCCAACCACATGCTCAAAGTGAGGGAGAGAAGGCATCACAGGGCACGGAGGGGATCCTAC[C>A]TGTGACAAAGAGTAAGATGAGCAGCCGGAGAGGCTCCATGCCACCCTTCCCCAGCCAAGG-3'

ClinVar aggregate classification (germline): Pathogenic. Review status: criteria provided, single submitter (1 of 4 stars). 2 submissions from 2 submitters: Pathogenic (1). 1 of the submissions does not count toward it. Last evaluated 2019-10-17.

Conditions:
Polycystic lipomembranous osteodysplasia with sclerosing leukoencephalopathy 2. Also called: TREM2-Related Polycystic Lipomembranous Osteodysplasia with Sclerosing Leukoencephalopathy. Identifiers: MedGen C4748657, MONDO:0020750, OMIM 618193.
Polycystic lipomembranous osteodysplasia with sclerosing leukoencephalopathy 1 (PLOSL1). Also called: TYROBP-Related Polycystic Lipomembranous Osteodysplasia with Sclerosing Leukoencephalopathy. Identifiers: Orphanet 2770, MedGen C4721893, MONDO:0020749, OMIM 221770.

Allele frequency attached by ClinVar (database versions not stated): gnomAD exomes below 0.00001.
gnomAD v4.1: 1 of 1,614,150 alleles (0.000062%); highest among the groups gnomAD compares: Non-Finnish European, 0.000085%; no homozygotes.

Submissions (2):

SIB Swiss Institute of Bioinformatics
Classification: Pathogenic for Polycystic lipomembranous osteodysplasia with sclerosing leukoencephalopathy 2. Last evaluated: 2019-10-17. Review status: criteria provided, single submitter. Criteria: ACMG Guidelines, 2015. Collection method: curation. Allele origin: unknown.
Comment: This variant is interpreted as Pathogenic for Polycystic lipomembranous osteodysplasia with sclerosing leukoencephalopathy 2 , autosomal recessive. The following ACMG Tag(s) were applied: PM2, PS3, PVS1-Strong, PM3-Supporting.

Juha Muilu Group; Institute for Molecular Medicine Finland (FIMM)
Classification: Likely pathogenic for Polycystic lipomembranous osteodysplasia with sclerosing leukoencephalopathy. Review status: no assertion criteria provided. Collection method: not provided. Allele origin: unknown. Not counted in ClinVar's aggregate classification.
Comment: FinDis database variant: This variant was not found or characterized by our laboratory, data were collected from public sources: see reference
ClinVar note: Converted during submission from probable-pathogenic to Likely pathogenic.

Literature cited by the submitters: PubMed 12925681 (cited by SIB Swiss Institute of Bioinformatics).